The following is an entry in ClinVar:

ClinVar aggregate classification (germline): Conflicting classifications of pathogenicity. Review status: criteria provided, conflicting classifications (1 of 4 stars). 3 submissions from 3 submitters: Uncertain significance (2); Likely benign (1). Last evaluated 2026-05-06.

Conditions:
Retinoblastoma (RB1). Also called: RETINOBLASTOMA, SOMATIC. Identifiers: Orphanet 790, MedGen C0035335, MeSH D012175, MONDO:0008380, OMIM 180200, HP:0009919. Disease mechanism: loss of function. Inheritance: Both sporadic and heritable forms are tested..
Hereditary cancer-predisposing syndrome. Also called: Tumor predisposition; Hereditary Cancer Syndrome; Hereditary neoplastic syndrome; Neoplastic Syndromes, Hereditary. Identifiers: Orphanet 140162, MedGen C0027672, MeSH D009386, MONDO:0015356.

Submissions (3):

Ambry Genetics
Classification: Likely benign for Hereditary cancer-predisposing syndrome. Last evaluated: 2026-05-06. Review status: criteria provided, single submitter. Criteria: Ambry Variant Classification Scheme 2023. Collection method: clinical testing. Allele origin: germline.

All of Us Research Program, National Institutes of Health
Classification: Uncertain significance for Retinoblastoma. Last evaluated: 2023-08-15. Review status: criteria provided, single submitter. Criteria: ACMG Guidelines, 2015. Collection method: clinical testing. Allele origin: germline. Inheritance: Autosomal dominant inheritance. Observed: 1 variant allele, 1 heterozygote.
Comment: This study involves interpretation of variants in research participants for the purpose of population health screening. Participant phenotype was not available at the time of variant classification. Additional details can be found in publication PMID: 35346344, PMCID: PMC8962531

Labcorp Genetics (formerly Invitae), Labcorp
Classification: Uncertain significance for Retinoblastoma. Last evaluated: 2023-07-10. Review status: criteria provided, single submitter. Criteria: Invitae Variant Classification Sherloc (09022015). Collection method: clinical testing. Allele origin: germline.
Comment: In summary, the available evidence is currently insufficient to determine the role of this variant in disease. Therefore, it has been classified as a Variant of Uncertain Significance. Advanced modeling of protein sequence and biophysical properties (such as structural, functional, and spatial information, amino acid conservation, physicochemical variation, residue mobility, and thermodynamic stability) performed at Invitae indicates that this missense variant is not expected to disrupt RB1 protein function. ClinVar contains an entry for this variant (Variation ID: 2196006). This variant has not been reported in the literature in individuals affected with RB1-related conditions. This variant is not present in population databases (gnomAD no frequency). This sequence change replaces serine, which is neutral and polar, with asparagine, which is neutral and polar, at codon 393 of the RB1 protein (p.Ser393Asn).

NM_000321.3(RB1):c.1178G>A (p.Ser393Asn)

Gene: RB1 (RB transcriptional corepressor 1; plus strand). Cytogenetic location: 13q14.2.
Variant type: single nucleotide variant.
Coding change: c.1178G>A on transcript NM_000321.3 (MANE Select); coding-DNA position 1178, G replaced by A.
Protein change: p.Ser393Asn; replaces serine 393 with asparagine.
Molecular consequence: missense variant.
Genome position (GRCh38, 1-based): chr13:48,373,455, G>A. VCF-style: chr13-48373455-G-A. GRCh37 (hg19) VCF-style: chr13-48947591-G-A.
Other names: c.1178G>A, p.Ser393Asn (NM_001407165.1, NM_001407166.1); short protein forms S393N.
Identifiers: ClinVar variation 2196006 (VCV002196006.6), dbSNP rs1952784508, ClinGen allele CA388161558.